The following is an entry in ClinVar:

ClinVar aggregate classification (germline): Uncertain significance (1 of 4 stars; one submission).

Submission:

Labcorp Genetics (formerly Invitae), Labcorp
Classification: Uncertain significance. Last evaluated: 2025-06-27. Review status: criteria provided, single submitter. Criteria: Invitae Variant Classification Sherloc (09022015). Collection method: clinical testing. Allele origin: germline.
Comment: This sequence change replaces serine, which is neutral and polar, with proline, which is neutral and non-polar, at codon 440 of the SPPL2A protein (p.Ser440Pro). This variant is not present in population databases (gnomAD no frequency). This variant has not been reported in the literature in individuals affected with SPPL2A-related conditions. An algorithm developed to predict the effect of missense changes on protein structure and function (PolyPhen-2) suggests that this variant is likely to be disruptive. In summary, the available evidence is currently insufficient to determine the role of this variant in disease. Therefore, it has been classified as a Variant of Uncertain Significance.

NM_032802.4(SPPL2A):c.1318T>C (p.Ser440Pro)

Gene: SPPL2A (signal peptide peptidase like 2A; minus strand). Cytogenetic location: 15q21.2.
Variant type: single nucleotide variant.
Coding change: c.1318T>C on transcript NM_032802.4 (MANE Select); coding-DNA position 1318, T replaced by C.
Protein change: p.Ser440Pro; replaces serine 440 with proline.
Molecular consequence: missense variant.
Genome position (GRCh38, 1-based): chr15:50,722,133, A>G on the plus strand (T>C on the coding strand, the complement: SPPL2A is on the minus strand). VCF-style: chr15-50722133-A-G. GRCh37 (hg19) VCF-style: chr15-51014330-A-G.
Other names: c.1372T>C, p.Ser458Pro (NM_001438111.1); c.1318T>C, p.Ser440Pro (NM_001438112.1); short protein forms S458P, S440P.
Identifiers: ClinVar variation 4722228 (VCV004722228.1).